The following is an entry in ClinVar:

NM_005912.3(MC4R):c.694A>T (p.Thr232Ser)

Gene: MC4R (melanocortin 4 receptor; minus strand). Cytogenetic location: 18q21.32.
Variant type: single nucleotide variant.
Coding change: c.694A>T on transcript NM_005912.3 (MANE Select); coding-DNA position 694, A replaced by T.
Protein change: p.Thr232Ser; replaces threonine 232 with serine.
Molecular consequence: missense variant.
Genome position (GRCh38, 1-based): chr18:60,371,656, T>A on the plus strand (A>T on the coding strand, the complement: MC4R is on the minus strand). VCF-style: chr18-60371656-T-A. GRCh37 (hg19) VCF-style: chr18-58038889-T-A.
Other names: short protein forms T232S.
Identifiers: ClinVar variation 4850674 (VCV004850674.1).
Genomic context (GRCh38, chr18:60,371,656, plus strand): 5'-CAATCAGGATGGTCAAGGTAATCGCTCCCTTCATATTGGCACCTTGGCGGATGGCACCAG[T>A]GCCGGGGAGGACAGCAATCCTCTTAATGTGAAGCCTGGCCATCAGGAACATGTGGACATA-3'
Protein context (NP_005903.2, residues 222-242): HIKRIAVLPG[Thr232Ser]GAIRQGANMK

ClinVar aggregate classification (germline): Uncertain significance (1 of 4 stars; one submission).

Conditions:
Early onset severe obesity. Identifiers: MedGen C4013980.

Submission:

Cambridge Genomics Laboratory, East Genomic Laboratory Hub, NHS Genomic Medicine Service
Classification: Uncertain significance for Severe early-onset obesity. Last evaluated: 2026-04-21. Review status: criteria provided, single submitter. Criteria: ACGS Best Practice Guidelines for Variant Classification in Rare Disease 2020. Collection method: clinical testing. Allele origin: germline. Affected: yes.
Comment: PS3_Supporting,PS4_Supporting,PM2,BP4